The following is an entry in ClinVar:

NM_021008.4(DEAF1):c.1319C>T (p.Ala440Val)

Genes: DEAF1 (DEAF1 transcription factor; minus strand), LOC126861109 (BRD4-independent group 4 enhancer GRCh37_chr11:673917-675116; plus strand). Cytogenetic location: 11p15.5.
Variant type: single nucleotide variant.
Coding change: c.1319C>T on transcript NM_021008.4 (MANE Select); coding-DNA position 1319, C replaced by T.
Protein change: p.Ala440Val; replaces alanine 440 with valine.
Molecular consequence: missense variant.
Genome position (GRCh38, 1-based): chr11:674,720, G>A on the plus strand (C>T on the coding strand, the complement: DEAF1 is on the minus strand). VCF-style: chr11-674720-G-A. GRCh37 (hg19) VCF-style: chr11-674720-G-A.
Other names: c.1052C>T, p.Ala351Val (NM_001293634.2); c.593C>T, p.Ala198Val (NM_001367390.1); short protein forms A440V, A351V, A198V.
Identifiers: ClinVar variation 2161131 (VCV002161131.4), dbSNP rs747498431, ClinGen allele CA5786242.

ClinVar aggregate classification (germline): Uncertain significance (1 of 4 stars; one submission).

Allele frequency attached by ClinVar (database versions not stated): gnomAD 0.00001; gnomAD exomes 0.00002; TOPMed 0.00003; ExAC 0.00005.
gnomAD v4.1: 28 of 1,613,762 alleles (0.0017%); highest among the groups gnomAD compares: South Asian, 0.0033%; no homozygotes.

Submission:

Labcorp Genetics (formerly Invitae), Labcorp
Classification: Uncertain significance. Last evaluated: 2025-12-01. Review status: criteria provided, single submitter. Criteria: Invitae Variant Classification Sherloc (09022015). Collection method: clinical testing. Allele origin: germline.
Comment: This sequence change replaces alanine, which is neutral and non-polar, with valine, which is neutral and non-polar, at codon 440 of the DEAF1 protein (p.Ala440Val). This variant is present in population databases (rs747498431, gnomAD 0.005%). This variant has not been reported in the literature in individuals affected with DEAF1-related conditions. ClinVar contains an entry for this variant (Variation ID: 2161131). An algorithm developed to predict the effect of missense changes on protein structure and function outputs the following: PolyPhen-2: "Benign". The valine amino acid residue is found in multiple mammalian species, which suggests that this missense change does not adversely affect protein function. In summary, the available evidence is currently insufficient to determine the role of this variant in disease. Therefore, it has been classified as a Variant of Uncertain Significance.